The following is an entry in ClinVar:

NM_000702.4(ATP1A2):c.3058T>G (p.Tyr1020Asp)

Gene: ATP1A2 (ATPase Na+/K+ transporting subunit alpha 2; plus strand). Cytogenetic location: 1q23.2.
Variant type: single nucleotide variant.
Coding change: c.3058T>G on transcript NM_000702.4 (MANE Select); coding-DNA position 3058, T replaced by G.
Protein change: p.Tyr1020Asp; replaces tyrosine 1020 with aspartic acid.
Molecular consequence: missense variant.
Genome position (GRCh38, 1-based): chr1:160,141,317, T>G. VCF-style: chr1-160141317-T-G. GRCh37 (hg19) VCF-style: chr1-160111107-T-G.
Other names: short protein forms Y1020D.
Identifiers: ClinVar variation 3633648 (VCV003633648.2).
Genomic context (GRCh38, chr1:160,141,317, plus strand): 5'-CTCATGCTGCAATCTCCACTCCCAATCTCTCTAACAGGCTGGGTGGAGAAGGAGACATAC[T>G]ACTGACCCCATTGGAAGAAGAACCAGGCATGGAAAGATGGGGAGCTCTGGAGGTGTTGTG-3'
Protein context (NP_000693.1, residues 1010-1020): PGGWVEKETY[Tyr1020Asp]

ClinVar aggregate classification (germline): Uncertain significance (1 of 4 stars; one submission).

Conditions:
Familial hemiplegic migraine. Identifiers: MedGen C0338484, MONDO:0000700.

Submission:

Labcorp Genetics (formerly Invitae), Labcorp
Classification: Uncertain significance for Familial hemiplegic migraine. Last evaluated: 2024-06-10. Review status: criteria provided, single submitter. Criteria: Invitae Variant Classification Sherloc (09022015). Collection method: clinical testing. Allele origin: germline.
Comment: This sequence change replaces tyrosine, which is neutral and polar, with aspartic acid, which is acidic and polar, at codon 1020 of the ATP1A2 protein (p.Tyr1020Asp). This variant is not present in population databases (gnomAD no frequency). This variant has not been reported in the literature in individuals affected with ATP1A2-related conditions. Advanced modeling of protein sequence and biophysical properties (such as structural, functional, and spatial information, amino acid conservation, physicochemical variation, residue mobility, and thermodynamic stability) performed at Invitae indicates that this missense variant is expected to disrupt ATP1A2 protein function with a positive predictive value of 95%. In summary, the available evidence is currently insufficient to determine the role of this variant in disease. Therefore, it has been classified as a Variant of Uncertain Significance.